The following is an entry in ClinVar:

ClinVar aggregate classification (germline): Pathogenic (1 of 4 stars; one submission).

Conditions:
Ehlers-Danlos syndrome, dermatosparaxis type. Also called: EDS VIIC; Dermatosparaxis; Ehlers-Danlos syndrome, type VII, autosomal recessive. Identifiers: Orphanet 1901, MedGen C2700425, MONDO:0009161, OMIM 225410.

Submission:

Myriad Genetics, Inc.
Classification: Pathogenic for Ehlers-Danlos syndrome, dermatosparaxis type. Last evaluated: 2024-05-14. Review status: criteria provided, single submitter. Criteria: Myriad Autosomal Dominant, Autosomal Recessive and X-Linked Classification Criteria (2023). Collection method: clinical testing. Allele origin: unknown.
Comment: NM_014244.4(ADAMTS2):c.98_99ins14(P34Vfs*136) is expected to be pathogenic in the context of Ehlers-Danlos syndrome, ADAMTS2-related. This variant is predicted to lead to an abnormal or absent protein product due to the creation of a premature termination codon in ADAMTS2, a gene where loss-of-function variants are known to be pathogenic. Please note: this variant was assessed in the context of healthy population screening.

NM_014244.5(ADAMTS2):c.98_99insTGTCTTTATACACA (p.Pro34fs)

Gene: ADAMTS2 (ADAM metallopeptidase with thrombospondin type 1 motif 2; minus strand). Cytogenetic location: 5q35.3.
Variant type: Insertion.
Coding change: c.98_99insTGTCTTTATACACA on transcript NM_014244.5 (MANE Select); coding-DNA positions 98 to 99, TGTCTTTATACACA inserted.
Protein change: p.Pro34fs; shifts the reading frame from proline 34.
Molecular consequence: frameshift variant.
Genome position: GRCh38 VCF-style: chr5-179345230-C-CTGTGTATAAAGACA. GRCh37 (hg19) VCF-style: chr5-178772231-C-CTGTGTATAAAGACA.
Other names: c.98_99insTGTCTTTATACACA, p.Pro34fs (NM_021599.4); short protein forms P34fs.
Identifiers: ClinVar variation 5011225 (VCV005011225.1).